The following is an entry in ClinVar:

NM_001375765.1(GIGYF1):c.2874C>T (p.Phe958=)

Gene: GIGYF1 (GRB10 interacting GYF protein 1; minus strand). Cytogenetic location: 7q22.1.
Variant type: single nucleotide variant.
Coding change: c.2874C>T on transcript NM_001375765.1 (MANE Select); coding-DNA position 2874, C replaced by T.
Protein change: p.Phe958=; no amino-acid change (phenylalanine 958 retained).
Molecular consequence: synonymous variant. On other transcripts: non-coding transcript variant (1).
Genome position (GRCh38, 1-based): chr7:100,682,123, G>A on the plus strand (C>T on the coding strand, the complement: GIGYF1 is on the minus strand). VCF-style: chr7-100682123-G-A. GRCh37 (hg19) VCF-style: chr7-100279746-G-A.
Other names: c.2874C>T, p.Phe958= (NM_001375759.1, NM_001375760.1, NM_001375761.1 and 5 more transcripts); c.2871C>T, p.Phe957= (NM_001375768.1).
Identifiers: ClinVar variation 4821798 (VCV004821798.4).

ClinVar aggregate classification (germline): Likely benign (1 of 4 stars; one submission).

gnomAD v4.1: 446 of 1,613,990 alleles (0.028%); highest among the groups gnomAD compares: Non-Finnish European, 0.036%; no homozygotes.

Submission:

CeGaT Center for Human Genetics Tuebingen
Classification: Likely benign. Last evaluated: 2026-02-01. Review status: criteria provided, single submitter. Criteria: CeGaT Center For Human Genetics Tuebingen Variant Classification Criteria Version 2. Collection method: clinical testing. Allele origin: germline. Affected: yes. Observed: 1 variant allele.
Comment: GIGYF1: BP4